The following is an entry in ClinVar:

ClinVar aggregate classification (germline): Benign (1 of 4 stars; one submission).

Conditions:
Lynch syndrome 5 (LYNCH5). Also called: Colorectal cancer, hereditary nonpolyposis, type 5; Hereditary non-polyposis colorectal cancer, type 5. Identifiers: Orphanet 144, MedGen C1833477, MONDO:0013710, OMIM 614350. Disease mechanism: loss of function.

Submission:

Myriad Genetics, Inc.
Classification: Benign for Lynch syndrome 5. Last evaluated: 2025-01-06. Review status: criteria provided, single submitter. Criteria: Myriad Autosomal Dominant, Autosomal Recessive and X-Linked Classification Criteria (2023). Collection method: clinical testing. Allele origin: unknown.
Comment: This variant is considered benign. This variant is a silent/synonymous amino acid change and it is not expected to impact splicing.

NM_000179.3(MSH6):c.3423T>G (p.Ser1141=)

Gene: MSH6 (mutS homolog 6; plus strand). Cytogenetic location: 2p16.3.
Variant type: single nucleotide variant.
Coding change: c.3423T>G on transcript NM_000179.3 (MANE Select); coding-DNA position 3423, T replaced by G.
Protein change: p.Ser1141=; no amino-acid change (serine 1141 retained).
Molecular consequence: synonymous variant. On other transcripts: non-coding transcript variant (5).
Genome position (GRCh38, 1-based): chr2:47,803,670, T>G. VCF-style: chr2-47803670-T-G. GRCh37 (hg19) VCF-style: chr2-48030809-T-G.
Other names: c.3033T>G, p.Ser1011= (NM_001281492.2); c.2517T>G, p.Ser839= (NM_001281493.2, NM_001281494.2, NM_001406811.1 and 6 more transcripts); c.3519T>G, p.Ser1173= (NM_001406795.1, NM_001406802.1); c.3423T>G, p.Ser1141= (NM_001406796.1, NM_001406800.1, NM_001406808.1 and 1 more transcripts); c.3126T>G, p.Ser1042= (NM_001406797.1, NM_001406801.1, NM_001406805.1 and 10 more transcripts); c.3249T>G, p.Ser1083= (NM_001406798.1); c.2898T>G, p.Ser966= (NM_001406799.1, NM_001406806.1, NM_001406807.1); c.2559T>G, p.Ser853= (NM_001406803.1); and 7 more.
Identifiers: ClinVar variation 3903950 (VCV003903950.1).